The following is an entry in ClinVar:

ClinVar aggregate classification (germline): Benign/Likely benign. Review status: criteria provided, multiple submitters, no conflicts (2 of 4 stars). 3 submissions from 3 submitters: Benign (1); Likely benign (2). Last evaluated 2026-07-09.

Conditions:
Ehlers-Danlos syndrome, classic type, 1 (EDSCL1). Also called: EDS I; EHLERS-DANLOS SYNDROME, GRAVIS TYPE; EHLERS-DANLOS SYNDROME, SEVERE CLASSIC TYPE; Ehlers-Danlos Syndrome, Classic Type, COL5A1-Related; Ehlers-Danlos syndrome, type 1. Identifiers: MedGen C0268335, MONDO:0019567, OMIM 130000.
Familial thoracic aortic aneurysm and aortic dissection (TAAD). Also called: Thoracic aortic aneurysms and dissections. Identifiers: Orphanet 91387, MedGen C4707243, MONDO:0019625.

Allele frequency attached by ClinVar (database versions not stated): gnomAD 0.00001; TOPMed 0.00002; gnomAD exomes 0.00004; ExAC 0.00005.
gnomAD v4.1: 35 of 1,613,908 alleles (0.0022%); highest among the groups gnomAD compares: Middle Eastern, 0.033%; 1 homozygote.

Submissions (3):

Ambry Genetics
Classification: Likely benign for Familial thoracic aortic aneurysm and aortic dissection. Last evaluated: 2026-07-09. Review status: criteria provided, single submitter. Criteria: Ambry Variant Classification Scheme 2023. Collection method: clinical testing. Allele origin: germline.

Women's Health and Genetics/Laboratory Corporation of America, LabCorp
Classification: Likely benign. Last evaluated: 2026-02-17. Review status: criteria provided, single submitter. Criteria: LabCorp Variant Classification Summary - May 2015. Collection method: clinical testing. Allele origin: germline.
Comment: Variant summary: COL5A2 c.3880C>T (p.Arg1294Cys) results in a non-conservative amino acid change in the encoded protein sequence. Algorithms developed to predict the effect of missense changes on protein structure and function all suggest that this variant is likely to be disruptive. The variant allele was found at a frequency of 2.2e-05 in 1613908 control chromosomes, predominantly at a frequency of 0.00025 within the South Asian subpopulation in the gnomAD database, including 1 homozygote. The observed variant frequency within South Asian control individuals in the gnomAD database exceeds the estimated maximal expected allele frequency for disease-causing variants in COL5A2. To our knowledge, no occurrence of c.3880C>T in individuals affected with COL5A2-related conditions and no experimental evidence demonstrating its impact on protein function have been reported. ClinVar contains an entry for this variant (Variation ID: 459749). Based on the evidence outlined above, the variant was classified as likely benign.

Labcorp Genetics (formerly Invitae), Labcorp
Classification: Benign for Ehlers-Danlos syndrome, classic type, 1. Last evaluated: 2025-02-27. Review status: criteria provided, single submitter. Criteria: Invitae Variant Classification Sherloc (09022015). Collection method: clinical testing. Allele origin: germline.

NM_000393.5(COL5A2):c.3880C>T (p.Arg1294Cys)

Gene: COL5A2 (collagen type V alpha 2 chain; minus strand). Cytogenetic location: 2q32.2.
Variant type: single nucleotide variant.
Coding change: c.3880C>T on transcript NM_000393.5 (MANE Select); coding-DNA position 3880, C replaced by T.
Protein change: p.Arg1294Cys; replaces arginine 1294 with cysteine.
Molecular consequence: missense variant.
Genome position (GRCh38, 1-based): chr2:189,039,317, G>A on the plus strand (C>T on the coding strand, the complement: COL5A2 is on the minus strand). VCF-style: chr2-189039317-G-A. GRCh37 (hg19) VCF-style: chr2-189904043-G-A.
Other names: short protein forms R1294C.
Identifiers: ClinVar variation 459749 (VCV000459749.10), dbSNP rs758136981, ClinGen allele CA2021903.
Genomic context (GRCh38, chr2:189,039,317, plus strand): 5'-CTGCTGTCTACTCACCACTCTGCTTTGCGGAATGGCAAAGCTTTAGGTCATCACACGTGC[G>A]GGCTGGGTGCTTTTTCGAGCCATCGGGGCTGCGCATGGTTTCAATCTGACTACTGAGTGA-3'
Protein context (NP_000384.2, residues 1284-1304): SPDGSKKHPA[Arg1294Cys]TCDDLKLCHS